The following is an entry in ClinVar:

NM_006302.3(MOGS):c.882del (p.Glu295fs)

Gene: MOGS (mannosyl-oligosaccharide glucosidase; minus strand). Cytogenetic location: 2p13.1.
Variant type: Deletion.
Coding change: c.882del on transcript NM_006302.3 (MANE Select); coding-DNA position 882, one base deleted (T; older notation c.882delT).
Protein change: p.Glu295fs; shifts the reading frame from glutamic acid 295.
Molecular consequence: frameshift variant.
Genome position (GRCh38, 1-based): chr2:74,462,907, A deleted on the plus strand (T on the coding strand, the reverse complement: MOGS is on the minus strand). VCF-style (leftmost placement, unchanged base first): chr2-74462906-CA-C. GRCh37 (hg19) VCF-style: chr2-74690033-CA-C.
Other names: c.564del, p.Glu189fs (NM_001146158.2); c.882delT (NM_006302.2); short protein forms E189fs, E295fs.
Identifiers: ClinVar variation 1071539 (VCV001071539.14), dbSNP rs765427546, ClinGen allele CA1724890.

ClinVar aggregate classification (germline): Conflicting classifications of pathogenicity. Review status: criteria provided, conflicting classifications (1 of 4 stars). 4 submissions from 4 submitters: Pathogenic (1); Likely pathogenic (1); Uncertain significance (1). 1 of the submissions does not count toward it. Last evaluated 2025-10-08.

Conditions:
MOGS-related disorder. Also called: MOGS-related condition.
MOGS-congenital disorder of glycosylation. Also called: MOGS-CDG; CDG IIb; GLUCOSIDASE I DEFICIENCY; CDG 2B. Identifiers: Orphanet 79330, MedGen C1853736, MONDO:0011629, OMIM 606056.

Allele frequency attached by ClinVar (database versions not stated): gnomAD 0.00004; gnomAD exomes 0.00004; ExAC 0.00005; TOPMed 0.00006.

Submissions (4):

Labcorp Genetics (formerly Invitae), Labcorp
Classification: Pathogenic for MOGS-congenital disorder of glycosylation. Last evaluated: 2025-10-08. Review status: criteria provided, single submitter. Criteria: Invitae Variant Classification Sherloc (09022015). Collection method: clinical testing. Allele origin: germline.
Comment: This sequence change creates a premature translational stop signal (p.Glu295Asnfs*10) in the MOGS gene. While this is not anticipated to result in nonsense mediated decay, it is expected to disrupt the last 543 amino acid(s) of the MOGS protein. This variant is present in population databases (rs765427546, gnomAD 0.01%). This variant has not been reported in the literature in individuals affected with MOGS-related conditions. ClinVar contains an entry for this variant (Variation ID: 1071539). This variant disrupts a region of the MOGS protein in which other variant(s) (p.Asp414Leufs*17) have been determined to be pathogenic (PMID: 29235540, 30587846; internal data). This suggests that this is a clinically significant region of the protein, and that variants that disrupt it are likely to be disease-causing. For these reasons, this variant has been classified as Pathogenic.

GeneDx
Classification: Likely pathogenic. Last evaluated: 2025-07-25. Review status: criteria provided, single submitter. Criteria: GeneDx Variant Classification Process June 2021. Collection method: clinical testing. Allele origin: germline. Affected: yes.
Comment: Frameshift variant in the C-terminus predicted to result in protein truncation, as the last 543 amino acids are lost and replaced with 9 incorrect amino acids; Not observed at significant frequency in large population cohorts (gnomAD); This variant is associated with the following publications: (PMID: 35982159, 35725860, 35790351)

Juno Genomics, Hangzhou Juno Genomics, Inc
Classification: Uncertain significance for MOGS-congenital disorder of glycosylation. Review status: criteria provided, single submitter. Criteria: ACMG Guidelines, 2015. Collection method: clinical testing. Allele origin: germline.
Comment: Absent from controls (or at extremely low frequency if recessive) in Genome Aggregation Database.;Null variant in a gene where loss of function (LOF) is a known mechanism of disease.

PreventionGenetics, part of Exact Sciences
Classification: Pathogenic for MOGS-related condition. Last evaluated: 2024-09-04. Review status: no assertion criteria provided. Collection method: clinical testing. Allele origin: germline. Not counted in ClinVar's aggregate classification.
Comment: The MOGS c.882delT variant is predicted to result in a frameshift and premature protein termination (p.Glu295Asnfs*10). This variant, along with a second MOGS variant, was reported in an individual with MOGS-related congenital disorders of glycosylation (Shimada et al. 2022. PMID: 35790351). This variant is reported in 0.0087% of alleles in individuals of Latino descent in gnomAD. Frameshift variants in MOGS are expected to be pathogenic. This variant is interpreted as pathogenic.

Literature cited by the submitters: PubMed 29235540 (cited by Labcorp Genetics (formerly Invitae), Labcorp); PubMed 30587846 (cited by Labcorp Genetics (formerly Invitae), Labcorp).